The following is an entry in ClinVar:

ClinVar aggregate classification (germline): Uncertain significance (1 of 4 stars; one submission).

Conditions:
Familial sleep-related hypermotor epilepsy. Also called: Autosomal Dominant Sleep-Related Hypermotor (Hyperkinetic) Epilepsy. Identifiers: Orphanet 98784, MedGen C3696898, MONDO:0000030.

Submission:

Labcorp Genetics (formerly Invitae), Labcorp
Classification: Uncertain significance. Last evaluated: 2023-04-13. Review status: criteria provided, single submitter. Criteria: Invitae Variant Classification Sherloc (09022015). Collection method: clinical testing. Allele origin: germline.
Comment: In summary, the available evidence is currently insufficient to determine the role of this variant in disease. Therefore, it has been classified as a Variant of Uncertain Significance. Advanced modeling of protein sequence and biophysical properties (such as structural, functional, and spatial information, amino acid conservation, physicochemical variation, residue mobility, and thermodynamic stability) performed at Invitae indicates that this missense variant is expected to disrupt CHRNB2 protein function. This variant has not been reported in the literature in individuals affected with CHRNB2-related conditions. This variant is not present in population databases (gnomAD no frequency). This sequence change replaces asparagine, which is neutral and polar, with lysine, which is basic and polar, at codon 320 of the CHRNB2 protein (p.Asn320Lys).

NM_000748.3(CHRNB2):c.960C>A (p.Asn320Lys)

Gene: CHRNB2 (cholinergic receptor nicotinic beta 2 subunit; plus strand). Cytogenetic location: 1q21.3.
Variant type: single nucleotide variant.
Coding change: c.960C>A on transcript NM_000748.3 (MANE Select); coding-DNA position 960, C replaced by A.
Protein change: p.Asn320Lys; replaces asparagine 320 with lysine.
Molecular consequence: missense variant.
Genome position (GRCh38, 1-based): chr1:154,571,783, C>A. VCF-style: chr1-154571783-C-A. GRCh37 (hg19) VCF-style: chr1-154544259-C-A.
Other names: short protein forms N320K.
Identifiers: ClinVar variation 2855881 (VCV002855881.3), dbSNP rs1434865319, ClinGen allele CA342631193.